The following is an entry in ClinVar:

ClinVar aggregate classification (germline): Benign. Review status: criteria provided, single submitter (1 of 4 stars). 2 submissions from 2 submitters: Benign (1). 1 of the submissions does not count toward it. Last evaluated 2025-06-22.

Conditions:
MYO18B-related disorder. Also called: MYO18B-related condition.

Submissions (2):

Labcorp Genetics (formerly Invitae), Labcorp
Classification: Benign. Last evaluated: 2025-06-22. Review status: criteria provided, single submitter. Criteria: Invitae Variant Classification Sherloc (09022015). Collection method: clinical testing. Allele origin: germline.

PreventionGenetics, part of Exact Sciences
Classification: Likely benign for MYO18B-related condition. Last evaluated: 2024-08-05. Review status: no assertion criteria provided. Collection method: clinical testing. Allele origin: germline. Not counted in ClinVar's aggregate classification.
Comment: This variant is classified as likely benign based on ACMG/AMP sequence variant interpretation guidelines (Richards et al. 2015 PMID: 25741868, with internal and published modifications).

NM_032608.7(MYO18B):c.3886-7dup

Gene: MYO18B (myosin XVIIIB; plus strand). Cytogenetic location: 22q12.1.
Variant type: Duplication.
Coding change: c.3886-7dup on transcript NM_032608.7 (MANE Select); 7 bases into the intron before coding-DNA position 3886, one base duplicated (T; older notation c.3886-7dupT).
Molecular consequence: intron variant.
Genome position (GRCh38, 1-based): chr22:25,868,313, T duplicated; the last of 6 consecutive T bases (chr22:25,868,308-25,868,313); duplicating any one gives the same sequence. VCF-style (leftmost placement, unchanged base first): chr22-25868307-A-AT. GRCh37 (hg19) VCF-style: chr22-26264274-A-AT.
Other names: c.3889-7dup (NM_001318245.2); c.3886-7dupT (NM_032608.6).
Identifiers: ClinVar variation 1559484 (VCV001559484.9), dbSNP rs760824109, ClinGen allele CA10160682.